The following is an entry in ClinVar:

ClinVar aggregate classification (germline): risk factor (1 of 4 stars; one submission).

Conditions:
Focal segmental glomerulosclerosis 4, susceptibility to (FSGS4). Identifiers: Orphanet 84271, MedGen C2675525, MONDO:0012931, OMIM 612551.

Submission:

Molecular Diagnostics Lab, Nemours Children's Health, Delaware
Classification: risk factor for Focal segmental glomerulosclerosis 4, susceptibility to. Last evaluated: 2015-02-27. Review status: criteria provided, single submitter. Criteria: ACMG Guidelines, 2015. Collection method: clinical testing. Allele origin: biparental. Affected: yes and no. Observed: 7 variant alleles. Clinical features observed: proteinuria, glomerulonephritis (chronic and hereditary), Vitamin D deficiency.
Comment: G1 (when found with c.1152T>G)

Literature cited by the submitters: PubMed 20647424.

NM_003661.4(APOL1):c.976A>G (p.Ile326Val)

Gene: APOL1 (apolipoprotein L1; plus strand). Cytogenetic location: 22q12.3.
Variant type: single nucleotide variant.
Coding change: c.976A>G on transcript NM_003661.4 (MANE Select); coding-DNA position 976, A replaced by G.
Protein change: p.Ile326Val; replaces isoleucine 326 with valine.
Molecular consequence: missense variant.
Genome position (GRCh38, 1-based): chr22:36,265,812, A>G. VCF-style: chr22-36265812-A-G. GRCh37 (hg19) VCF-style: chr22-36661858-A-G.
Other names: c.976A>G, p.Ile326Val (NM_001136540.2); c.922A>G, p.Ile308Val (NM_001136541.2, NM_001362927.2); c.1024A>G, p.Ile342Val (NM_145343.3); short protein forms I342V, I308V, I326V.
Identifiers: ClinVar variation 634949 (VCV000634949.5), dbSNP rs1569534160, ClinGen allele CA411368033.
Genomic context (GRCh38, chr22:36,265,812, plus strand): 5'-GTCACTGAGCCAATCTCAGCTGAAAGCGGTGAACAGGTGGAGAGGGTTAATGAACCCAGC[A>G]TCCTGGAAATGAGCAGAGGAGTCAAGCTCACGGATGTGGCCCCTGTAAGCTTCTTTCTTG-3'
Protein context (NP_003652.2, residues 316-336): EQVERVNEPS[Ile326Val]LEMSRGVKLT